The following is an entry in ClinVar:

ClinVar aggregate classification (germline): Likely benign. Review status: criteria provided, single submitter (1 of 4 stars). 2 submissions from 2 submitters: Likely benign (1). 1 of the submissions does not count toward it. Last evaluated 2023-01-01.

Conditions:
BPTF-related disorder. Also called: BPTF-related condition.

Allele frequency attached by ClinVar (database versions not stated): TOPMed below 0.00001; ExAC 0.00001; gnomAD 0.00001.
gnomAD v4.1: 8 of 1,590,824 alleles (0.0005%); highest among the groups gnomAD compares: Non-Finnish European, 0.0006%; no homozygotes.

Submissions (2):

CeGaT Center for Human Genetics Tuebingen
Classification: Likely benign. Last evaluated: 2023-01-01. Review status: criteria provided, single submitter. Criteria: CeGaT Center For Human Genetics Tuebingen Variant Classification Criteria Version 2. Collection method: clinical testing. Allele origin: germline. Affected: yes. Observed: 2 variant alleles.
Comment: BPTF: BP4, BP7

PreventionGenetics, part of Exact Sciences
Classification: Likely benign for BPTF-related condition. Last evaluated: 2024-04-05. Review status: no assertion criteria provided. Collection method: clinical testing. Allele origin: germline. Not counted in ClinVar's aggregate classification.
Comment: This variant is classified as likely benign based on ACMG/AMP sequence variant interpretation guidelines (Richards et al. 2015 PMID: 25741868, with internal and published modifications).

NM_182641.4(BPTF):c.450C>T (p.Gly150=)

Genes: BPTF (bromodomain PHD finger transcription factor; plus strand), LOC130061496 (ATAC-STARR-seq lymphoblastoid active region 12632; plus strand). Cytogenetic location: 17q24.2.
Variant type: single nucleotide variant.
Coding change: c.450C>T on transcript NM_182641.4 (MANE Select); coding-DNA position 450, C replaced by T.
Protein change: p.Gly150=; no amino-acid change (glycine 150 retained).
Molecular consequence: synonymous variant.
Genome position (GRCh38, 1-based): chr17:67,826,174, C>T. VCF-style: chr17-67826174-C-T. GRCh37 (hg19) VCF-style: chr17-65822290-C-T.
Other names: c.450C>T, p.Gly150= (NM_004459.7); c.450C>T (NM_182641.3).
Identifiers: ClinVar variation 2648124 (VCV002648124.24), dbSNP rs781204245, ClinGen allele CA8724982.